The following is an entry in ClinVar:

ClinVar aggregate classification (germline): Pathogenic/Likely pathogenic. Review status: criteria provided, multiple submitters, no conflicts (2 of 4 stars). 2 submissions from 2 submitters: Pathogenic (1); Likely pathogenic (1). Last evaluated 2019-12-19.

Conditions:
Long QT syndrome 2 (LQT2). Identifiers: Orphanet 101016, Orphanet 768, MedGen C3150943, MONDO:0013367, OMIM 613688.

Submissions (2):

MVZ Martinsried, Medicover Genetics
Classification: Likely pathogenic for Long QT syndrome 2. Last evaluated: 2019-12-19. Review status: criteria provided, single submitter. Criteria: ACMG Guidelines, 2015. Collection method: clinical testing. Allele origin: unknown. Affected: yes.

GeneDx
Classification: Pathogenic. Last evaluated: 2012-08-12. Review status: criteria provided, single submitter. Criteria: GeneDx Variant Classification (06012015). Collection method: clinical testing. Allele origin: germline. Affected: yes.
Comment: p.Gly47Cys (GGC>TGC):c.139 G>T in exon 2 of the KCNH2 gene (NM_000238.2). The Gly47Cys mutation in the KCNH2 gene has not been reported as a disease-causing mutation or as a benign polymorphism to our knowledge. However, a mutation affecting this same codon, (Gly47Val), has been reported in association with LQTS (Splawski I et al., 2000; Moss A et al., 2002). Mutations in nearby residues (Asn45Tyr, Cys49Tyr) have also been reported in association with LQTS, further supporting the functional importance of this codon and this region of the protein. Gly47Cys results in a non-conservative amino acid substitution of non-polar, small Glycine with a neutral, polar Cysteine at a position that is conserved across species. Furthermore, the NHLBI ESP Exome Variant Server reports Gly47Cys was not observed in approximately 6,000 samples from individuals of European and African American backgrounds, indicating it is not a common benign variant in these populations.In summary, Gly47Cys in the KCNH2 gene is interpreted as a likely disease-causing mutation. The variant is found in LQT panel(s).

NM_000238.4(KCNH2):c.139G>T (p.Gly47Cys)

Gene: KCNH2 (potassium voltage-gated channel subfamily H member 2; minus strand). Cytogenetic location: 7q36.1.
Variant type: single nucleotide variant.
Coding change: c.139G>T on transcript NM_000238.4 (MANE Select); coding-DNA position 139, G replaced by T.
Protein change: p.Gly47Cys; replaces glycine 47 with cysteine.
Molecular consequence: missense variant.
Genome position (GRCh38, 1-based): chr7:150,974,879, C>A on the plus strand (G>T on the coding strand, the complement: KCNH2 is on the minus strand). VCF-style: chr7-150974879-C-A. GRCh37 (hg19) VCF-style: chr7-150671967-C-A.
Other names: p.G47C:GGC>TGC; c.-39G>T (NM_001406755.1); c.139G>T, p.Gly47Cys (NM_172056.3); short protein forms G47C.
Identifiers: ClinVar variation 200553 (VCV000200553.5), dbSNP rs794728409, ClinGen allele CA004565.
Genomic context (GRCh38, chr7:150,974,879, plus strand): 5'-CGCAGGTGCAGGGTCGCTGCATCACCTCGGCCCGCGAGTAGCCGCACAGCTCGCAGAAGC[C>A]GTCGTTGCAGTAGATGACGGCGCAGTTCTCCACCCGAGCGTTGGCGATGATGAACTTACG-3'
Protein context (NP_000229.1, residues 37-57): ENCAVIYCND[Gly47Cys]FCELCGYSRA